The following is an entry in ClinVar:

NM_013275.6(ANKRD11):c.6869C>T (p.Pro2290Leu)

Gene: ANKRD11 (ankyrin repeat domain 11; minus strand). Cytogenetic location: 16q24.3.
Variant type: single nucleotide variant.
Coding change: c.6869C>T on transcript NM_013275.6 (MANE Select); coding-DNA position 6869, C replaced by T.
Protein change: p.Pro2290Leu; replaces proline 2290 with leucine.
Molecular consequence: missense variant.
Genome position (GRCh38, 1-based): chr16:89,279,673, G>A on the plus strand (C>T on the coding strand, the complement: ANKRD11 is on the minus strand). VCF-style: chr16-89279673-G-A. GRCh37 (hg19) VCF-style: chr16-89346081-G-A.
Other names: c.6869C>T, p.Pro2290Leu (NM_001256182.2, NM_001256183.2); short protein forms P2290L.
Identifiers: ClinVar variation 4738724 (VCV004738724.1).

ClinVar aggregate classification (germline): Uncertain significance (1 of 4 stars; one submission).

Conditions:
KBG syndrome (KBGS). Also called: ANKRD11-Related KBG Syndrome. Identifiers: Orphanet 2332, MedGen C0220687, MONDO:0007846, OMIM 148050.

Submission:

Labcorp Genetics (formerly Invitae), Labcorp
Classification: Uncertain significance for KBG syndrome. Last evaluated: 2025-03-26. Review status: criteria provided, single submitter. Criteria: Invitae Variant Classification Sherloc (09022015). Collection method: clinical testing. Allele origin: germline.
Comment: This sequence change replaces proline, which is neutral and non-polar, with leucine, which is neutral and non-polar, at codon 2290 of the ANKRD11 protein (p.Pro2290Leu). This variant is not present in population databases (gnomAD no frequency). This variant has not been reported in the literature in individuals affected with ANKRD11-related conditions. Invitae Evidence Modeling of protein sequence and biophysical properties (such as structural, functional, and spatial information, amino acid conservation, physicochemical variation, residue mobility, and thermodynamic stability) indicates that this missense variant is not expected to disrupt ANKRD11 protein function with a negative predictive value of 95%. In summary, the available evidence is currently insufficient to determine the role of this variant in disease. Therefore, it has been classified as a Variant of Uncertain Significance.